The following is an entry in ClinVar:

NM_005422.4(TECTA):c.2720G>A (p.Arg907Gln)

Genes: TBCEL-TECTA (TBCEL-TECTA readthrough; plus strand), TECTA (tectorin alpha; plus strand), LOC126861365 (P300/CBP strongly-dependent group 1 enhancer GRCh37_chr11:121000154-121001353; plus strand). Cytogenetic location: 11q23.3.
Variant type: single nucleotide variant.
Coding change: c.2720G>A on transcript NM_005422.4 (MANE Select); coding-DNA position 2720, G replaced by A.
Protein change: p.Arg907Gln; replaces arginine 907 with glutamine.
Molecular consequence: missense variant.
Genome position (GRCh38, 1-based): chr11:121,129,990, G>A. VCF-style: chr11-121129990-G-A. GRCh37 (hg19) VCF-style: chr11-121000699-G-A.
Other names: c.2720G>A (NM_005422.2); c.3677G>A, p.Arg1226Gln (NM_001378761.1); short protein forms R907Q, R1226Q.
Identifiers: ClinVar variation 1447772 (VCV001447772.10), dbSNP rs754174090, ClinGen allele CA6327049.

ClinVar aggregate classification (germline): Uncertain significance. Review status: criteria provided, multiple submitters, no conflicts (2 of 4 stars). 3 submissions from 3 submitters: Uncertain significance (3). Last evaluated 2026-09-18.

Conditions:
TECTA-related disorder. Also called: TECTA-related condition.

Allele frequency attached by ClinVar (database versions not stated): ExAC 0.00003; TOPMed 0.00003; gnomAD 0.00004; gnomAD exomes 0.00004 and 0.00005.
gnomAD v4.1: 65 of 1,605,552 alleles (0.004%); highest among the groups gnomAD compares: Middle Eastern, 0.017%; 1 homozygote.

Submissions (3):

PreventionGenetics, part of Exact Sciences
Classification: Uncertain significance for TECTA-related condition. Last evaluated: 2026-09-18. Review status: criteria provided, single submitter. Criteria: ACMG Guidelines, 2015. Collection method: clinical testing. Allele origin: germline.
Comment: The TECTA c.2720G>A variant is predicted to result in the amino acid substitution p.Arg907Gln. To our knowledge, this variant has not been reported in the literature. This variant is reported in 0.0087% of alleles in individuals of European (Non-Finnish) descent in gnomAD. At this time, the clinical significance of this variant is uncertain due to the absence of conclusive functional and genetic evidence.

Labcorp Genetics (formerly Invitae), Labcorp
Classification: Uncertain significance. Last evaluated: 2025-06-20. Review status: criteria provided, single submitter. Criteria: Invitae Variant Classification Sherloc (09022015). Collection method: clinical testing. Allele origin: germline.
Comment: This sequence change replaces arginine, which is basic and polar, with glutamine, which is neutral and polar, at codon 907 of the TECTA protein (p.Arg907Gln). This variant is present in population databases (rs754174090, gnomAD 0.009%). This variant has not been reported in the literature in individuals affected with TECTA-related conditions. ClinVar contains an entry for this variant (Variation ID: 1447772). Invitae Evidence Modeling of protein sequence and biophysical properties (such as structural, functional, and spatial information, amino acid conservation, physicochemical variation, residue mobility, and thermodynamic stability) indicates that this missense variant is not expected to disrupt TECTA protein function with a negative predictive value of 95%. In summary, the available evidence is currently insufficient to determine the role of this variant in disease. Therefore, it has been classified as a Variant of Uncertain Significance.

GeneDx
Classification: Uncertain significance. Last evaluated: 2024-06-18. Review status: criteria provided, single submitter. Criteria: GeneDx Variant Classification Process June 2021. Collection method: clinical testing. Allele origin: germline. Affected: yes.
Comment: Identified in a patient with Li-Fraumeni-like syndrome who also harbored multiple other variants in additional genes in published literature (PMID: 36387164); In silico analysis indicates that this missense variant does not alter protein structure/function; This variant is associated with the following publications: (PMID: 21520338, 31554319, 9590290, 36387164)